The following is an entry in ClinVar:

ClinVar aggregate classification (germline): Conflicting classifications of pathogenicity. Review status: criteria provided, conflicting classifications (1 of 4 stars). 4 submissions from 4 submitters: Uncertain significance (1); Likely benign (2). 1 of the submissions does not count toward it. Last evaluated 2026-02-01.

Conditions:
Dilated cardiomyopathy 1G (CMD1G). Identifiers: Orphanet 154, MedGen C1858763, MONDO:0011400, OMIM 604145.
Autosomal recessive limb-girdle muscular dystrophy type 2J (LGMDR10). Also called: Limb-girdle muscular dystrophy, type 2J; MUSCULAR DYSTROPHY, LIMB-GIRDLE, AUTOSOMAL RECESSIVE 10. Identifiers: Orphanet 140922, MedGen C1837342, MONDO:0012127, OMIM 608807.
TTN-related disorder. Also called: TTN-related disorders; TTN-related condition; TTN-related disease.

Allele frequency attached by ClinVar (database versions not stated): gnomAD exomes 0.00002 and 0.00006; gnomAD 0.00004; ExAC 0.00005; TOPMed 0.00005; ESP Exome Variant Server 0.00008; 1000 Genomes Project 30x 0.00016; 1000 Genomes Project 0.00020.
gnomAD v4.1: 38 of 1,598,256 alleles (0.0024%); highest among the groups gnomAD compares: Admixed American, 0.0084%; no homozygotes.

Submissions (4):

Labcorp Genetics (formerly Invitae), Labcorp
Classification: Likely benign for Dilated cardiomyopathy 1G; Autosomal recessive limb-girdle muscular dystrophy type 2J. Last evaluated: 2026-02-01. Review status: criteria provided, single submitter. Criteria: Invitae Variant Classification Sherloc (09022015). Collection method: clinical testing. Allele origin: germline.

Eurofins Ntd Llc (ga)
Classification: Uncertain significance. Last evaluated: 2015-07-18. Review status: criteria provided, single submitter. Criteria: EGL Classification Definitions 2015. Collection method: clinical testing. Allele origin: germline. Observed: 2 variant alleles, 2 heterozygotes.

Laboratory for Molecular Medicine, Mass General Brigham Personalized Medicine
Classification: Likely benign. Last evaluated: 2012-03-19. Review status: criteria provided, single submitter. Criteria: LMM Criteria. Collection method: clinical testing. Allele origin: germline. Observed: 1 variant allele.
Comment: p.Asp6445Asp in Exon 76 of TTN: This variant is not expected to have clinical si gnificance because it does not alter an amino acid residue, is not located withi n the splice consensus sequence. It has been identified in 1/6832 European Ameri can chromosomes from a broad population by the NHLBI Exome Sequencing Project.

PreventionGenetics, part of Exact Sciences
Classification: Likely benign for TTN-related condition. Last evaluated: 2024-06-10. Review status: no assertion criteria provided. Collection method: clinical testing. Allele origin: germline. Not counted in ClinVar's aggregate classification.
Comment: This variant is classified as likely benign based on ACMG/AMP sequence variant interpretation guidelines (Richards et al. 2015 PMID: 25741868, with internal and published modifications).

NM_001267550.2(TTN):c.23067C>T (p.Asp7689=)

Gene: TTN (titin; minus strand). Cytogenetic location: 2q31.2.
Variant type: single nucleotide variant.
Coding change: c.23067C>T on transcript NM_001267550.2 (MANE Select); coding-DNA position 23067, C replaced by T.
Protein change: p.Asp7689=; no amino-acid change (aspartic acid 7689 retained).
Molecular consequence: synonymous variant. On other transcripts: intron variant (3).
Genome position (GRCh38, 1-based): chr2:178,720,952, G>A on the plus strand (C>T on the coding strand, the complement: TTN is on the minus strand). VCF-style: chr2-178720952-G-A. GRCh37 (hg19) VCF-style: chr2-179585679-G-A.
Other names: c.22116C>T, p.Asp7372= (NM_001256850.1); c.13282+17130C>T (NM_003319.4); c.13858+17130C>T (NM_133437.4); c.13657+17130C>T (NM_133432.3); c.19335C>T, p.Asp6445= (NM_133378.4).
Identifiers: ClinVar variation 178238 (VCV000178238.18), dbSNP rs191854953, ClinGen allele CA181883.
Genomic context (GRCh38, chr2:178,720,952, plus strand): 5'-AAGAAACAAAGAAGCTTAGTGTGTCTAACCTTTCACTGTCAACGCTGTGCTGCAGCTGGC[G>A]TCACCAACACCATTATGAGCCTCACAAATGTAGTCCCCGCTGTCTTCAGCACTAGCTTCA-3'
Protein context (NP_001254479.2, residues 7679-7699): YICEAHNGVG[Asp7689=]ASCSTALTVK